The following is an entry in ClinVar:

NM_000098.3(CPT2):c.1802dup (p.Phe602fs)

Gene: CPT2 (carnitine palmitoyltransferase 2; plus strand). Cytogenetic location: 1p32.3.
Variant type: Duplication.
Coding change: c.1802dup on transcript NM_000098.3 (MANE Select); coding-DNA position 1802, one base duplicated (G; older notation c.1802dupG).
Protein change: p.Phe602fs; shifts the reading frame from phenylalanine 602.
Molecular consequence: frameshift variant.
Genome position (GRCh38, 1-based): chr1:53,213,420, G duplicated; the last of 5 consecutive G bases (chr1:53,213,416-53,213,420); duplicating any one gives the same sequence. VCF-style (leftmost placement, unchanged base first): chr1-53213415-T-TG. GRCh37 (hg19) VCF-style: chr1-53679087-T-TG.
Other names: c.1733dup, p.Phe579fs (NM_001330589.2); short protein forms F602fs, F579fs.
Identifiers: ClinVar variation 2058325 (VCV002058325.4), dbSNP rs2525596432, ClinGen allele CA2580063084.

ClinVar aggregate classification (germline): Pathogenic (1 of 4 stars; one submission).

Conditions:
Carnitine palmitoyltransferase II deficiency. Also called: Carnitine Palmitoyltransferase 2 Deficiency. Identifiers: Orphanet 157, MedGen C0342790, MONDO:0015515.

Submission:

Labcorp Genetics (formerly Invitae), Labcorp
Classification: Pathogenic for Carnitine palmitoyltransferase II deficiency. Last evaluated: 2021-12-24. Review status: criteria provided, single submitter. Criteria: Invitae Variant Classification Sherloc (09022015). Collection method: clinical testing. Allele origin: germline.
Comment: This sequence change creates a premature translational stop signal (p.Phe602Leufs*7) in the CPT2 gene. While this is not anticipated to result in nonsense mediated decay, it is expected to disrupt the last 57 amino acid(s) of the CPT2 protein. This variant is not present in population databases (gnomAD no frequency). This variant has not been reported in the literature in individuals affected with CPT2-related conditions. This variant disrupts a region of the CPT2 protein in which other variant(s) (p.Glu645Argfs*5) have been determined to be pathogenic (PMID: 17936304, 21913903). This suggests that this is a clinically significant region of the protein, and that variants that disrupt it are likely to be disease-causing. For these reasons, this variant has been classified as Pathogenic.

Literature cited by the submitters: PubMed 17936304; PubMed 21913903.